The following is an entry in ClinVar:

ClinVar aggregate classification (germline): Likely pathogenic (1 of 4 stars; one submission).

gnomAD v4.1: 4 of 1,564,776 alleles (0.00026%); highest among the groups gnomAD compares: Non-Finnish European, 0.00035%; no homozygotes.

Submission:

Dasa
Classification: Likely pathogenic. Last evaluated: 2025-06-11. Review status: criteria provided, single submitter. Criteria: DASA Assertion Criteria. Collection method: clinical testing. Allele origin: germline.
Comment: NM_005035.4(POLRMT):c.1714C>T (p.Gln572*) is a nonsense variant in POLRMT predicted to introduce a premature termination codon and is predicted to result in an absent or altered protein product. Loss of function is an established disease mechanism for POLRMT-associated disorders. Also, this variant is rare in population databases. Based on the currently available evidence, this variant is classified as likely pathogenic.

NM_005035.4(POLRMT):c.1714C>T (p.Gln572Ter)

Gene: POLRMT (RNA polymerase mitochondrial; minus strand). Cytogenetic location: 19p13.3.
Variant type: single nucleotide variant.
Coding change: c.1714C>T on transcript NM_005035.4 (MANE Select); coding-DNA position 1714, C replaced by T.
Protein change: p.Gln572Ter; replaces glutamine 572 with a stop codon.
Molecular consequence: nonsense. On other transcripts: non-coding transcript variant (1), intron variant (2).
Genome position (GRCh38, 1-based): chr19:622,286, G>A on the plus strand (C>T on the coding strand, the complement: POLRMT is on the minus strand). VCF-style: chr19-622286-G-A. GRCh37 (hg19) VCF-style: chr19-622286-G-A.
Other names: c.1714C>T, p.Gln572Ter (NM_001407805.1, NM_001407808.1, NM_001407812.1 and 4 more transcripts); c.1705C>T, p.Gln569Ter (NM_001407806.1, NM_001407809.1); c.1702C>T, p.Gln568Ter (NM_001407807.1, NM_001407810.1); c.1672C>T, p.Gln558Ter (NM_001407811.1, NM_001407813.1); c.1390C>T, p.Gln464Ter (NM_001407831.1, NM_001407833.1, NM_001407835.1 and 1 more transcripts); c.1381C>T, p.Gln461Ter (NM_001407834.1); c.1626+296C>T (NM_001407832.1, NM_001407830.1); short protein forms Q461*, Q464*, Q558*, Q568*, Q569*, Q572*.
Identifiers: ClinVar variation 4880543 (VCV004880543.2).